The following is an entry in ClinVar:

ClinVar aggregate classification (germline): Uncertain significance (1 of 4 stars; one submission).

Allele frequency attached by ClinVar (database versions not stated): gnomAD 0.00001; gnomAD exomes 0.00001; TOPMed 0.00001.
gnomAD v4.1: 17 of 1,614,026 alleles (0.0011%); highest among the groups gnomAD compares: East Asian, 0.0022%; no homozygotes.

Submission:

CeGaT Center for Human Genetics Tuebingen
Classification: Uncertain significance. Last evaluated: 2022-08-01. Review status: criteria provided, single submitter. Criteria: CeGaT Center For Human Genetics Tuebingen Variant Classification Criteria Version 2. Collection method: clinical testing. Allele origin: germline. Affected: yes. Observed: 1 variant allele.
Comment: SATB1: PP2, PP3

NM_002971.6(SATB1):c.1996G>A (p.Val666Met)

Gene: SATB1 (SATB homeobox 1; minus strand). Cytogenetic location: 3p24.3.
Variant type: single nucleotide variant.
Coding change: c.1996G>A on transcript NM_002971.6 (MANE Select); coding-DNA position 1996, G replaced by A.
Protein change: p.Val666Met; replaces valine 666 with methionine.
Molecular consequence: missense variant.
Genome position (GRCh38, 1-based): chr3:18,349,466, C>T on the plus strand (G>A on the coding strand, the complement: SATB1 is on the minus strand). VCF-style: chr3-18349466-C-T. GRCh37 (hg19) VCF-style: chr3-18390958-C-T.
Other names: c.1996G>A, p.Val666Met (NM_001131010.4, NM_001322872.2, NM_001322873.2 and 2 more transcripts); c.2092G>A, p.Val698Met (NM_001195470.3, NM_001322871.2); c.1780G>A, p.Val594Met (NM_001322876.2); short protein forms V594M, V666M, V698M.
Identifiers: ClinVar variation 1711567 (VCV001711567.30), dbSNP rs1462249661, ClinGen allele CA351853366.
Genomic context (GRCh38, chr3:18,349,466, plus strand): 5'-TGGGAAGGTCGAGCTGGGCAGACAGAGTCTGGATGGCCTCTTCGTCAGGGTACAGGCCCA[C>T]GTCTTGTATGAAACTCTGGAGGATTCCCAAGGCTTCCACTGAAATTTTTGTTCGTGGCCG-3'
Protein context (NP_002962.1, residues 656-676): LGILQSFIQD[Val666Met]GLYPDEEAIQ